The following is an entry in ClinVar:

NM_001145026.2(PTPRQ):c.1015A>G (p.Arg339Gly)

Gene: PTPRQ (protein tyrosine phosphatase receptor type Q; plus strand). Cytogenetic location: 12q21.31.
Variant type: single nucleotide variant.
Coding change: c.1015A>G on transcript NM_001145026.2 (MANE Select); coding-DNA position 1015, A replaced by G.
Protein change: p.Arg339Gly; replaces arginine 339 with glycine.
Molecular consequence: missense variant.
Genome position (GRCh38, 1-based): chr12:80,468,814, A>G. VCF-style: chr12-80468814-A-G. GRCh37 (hg19) VCF-style: chr12-80862593-A-G.
Other names: c.1015A>G (NM_001145026.1); short protein forms R339G.
Identifiers: ClinVar variation 1065031 (VCV001065031.4), dbSNP rs1245108213, ClinGen allele CA385879638.
Genomic context (GRCh38, chr12:80,468,814, plus strand): 5'-GGAAAGTCCTTTTCAATTTTATGGGACCCACCAACTATAGTAACAGGGAAATTTAGTTAT[A>G]GAGTTGAATTATATGGACCATCAGGTAAGCCTTAATTGGTTTTGTGTTTGCCTTTTGGAG-3'
Protein context (NP_001138498.1, residues 329-349): PTIVTGKFSY[Arg339Gly]VELYGPSGRI

ClinVar aggregate classification (germline): Uncertain significance. Review status: criteria provided, multiple submitters, no conflicts (2 of 4 stars). 2 submissions from 2 submitters: Uncertain significance (2). Last evaluated 2024-12-17.

Conditions:
Hearing impairment. Also called: Impaired Hearing. Identifiers: MedGen C1384666, MONDO:0005365, HP:0000365.
PTPRQ-related disorder. Also called: PTPRQ-related condition.

Allele frequency attached by ClinVar (database versions not stated): gnomAD exomes 0.00001 and 0.00004; TOPMed 0.00003; gnomAD 0.00005.
gnomAD v4.1: 57 of 1,549,606 alleles (0.0037%); highest among the groups gnomAD compares: Non-Finnish European, 0.0045%; no homozygotes.

Submissions (2):

PreventionGenetics, part of Exact Sciences
Classification: Uncertain significance for PTPRQ-related condition. Last evaluated: 2024-12-17. Review status: criteria provided, single submitter. Criteria: ACMG Guidelines, 2015. Collection method: clinical testing. Allele origin: germline.
Comment: The PTPRQ c.1015A>G variant is predicted to result in the amino acid substitution p.Arg339Gly. To our knowledge, this variant has not been reported in the literature. This variant is reported in 0.0040% of alleles in individuals of European (Non-Finnish) descent in gnomAD. At this time, the clinical significance of this variant is uncertain due to the absence of conclusive functional and genetic evidence.

Department of Otolaryngology – Head & Neck Surgery, Cochlear Implant Center
Classification: Uncertain significance for Hearing impairment. Last evaluated: 2021-04-12. Review status: criteria provided, single submitter. Criteria: ClinGen HL ACMG Specifications v1. Collection method: clinical testing. Allele origin: germline. Affected: yes.
Comment: PM2_Supporting, BP4_Supporting